The following is an entry in ClinVar:

NM_003742.4(ABCB11):c.1197+1G>A

Gene: ABCB11 (ATP binding cassette subfamily B member 11; minus strand). Cytogenetic location: 2q31.1.
Variant type: single nucleotide variant.
Coding change: c.1197+1G>A on transcript NM_003742.4 (MANE Select); the canonical splice donor site of the intron after coding-DNA position 1197, G replaced by A.
Molecular consequence: splice donor variant.
Genome position (GRCh38, 1-based): chr2:168,979,865, C>T on the plus strand (G>A on the coding strand, the complement: ABCB11 is on the minus strand). VCF-style: chr2-168979865-C-T. GRCh37 (hg19) VCF-style: chr2-169836375-C-T.
Other names: NM_003742.4:c.1197+1G>A.
Identifiers: ClinVar variation 3776867 (VCV003776867.1).
Genomic context (GRCh38, chr2:168,979,865, plus strand): 5'-TTCTGTGCCCCACCCCCCAGCCCCCACCTGTTAATGGCCTTTACTTTTGGCTTATACATA[C>T]CCTGTCTATTGTCTCAAAAATGCTGGTGGCTGCTGCACGTCCAGTTGCAAAGGCTTCCAA-3'

ClinVar aggregate classification (germline): Uncertain significance (1 of 4 stars; one submission).

Conditions:
Progressive familial intrahepatic cholestasis type 2. Identifiers: Orphanet 79304, MedGen C3489789, MONDO:0011156, OMIM 601847.

gnomAD v4.1: 1 of 1,395,778 alleles (0.000072%); highest among the groups gnomAD compares: African/African-American, 0.0014%; no homozygotes.

Submission:

Broad Center for Mendelian Genomics, Broad Institute of MIT and Harvard
Classification: Uncertain significance for Progressive familial intrahepatic cholestasis type 2. Last evaluated: 2025-01-29. Review status: criteria provided, single submitter. Criteria: ACMG Guidelines, 2015. Collection method: curation. Allele origin: germline. Inheritance: Autosomal recessive inheritance.
Comment: The c.1197+1G>A variant in ABCB11 has been reported in one individual with BSEP deficiency (PMID: 31450232), and has been identified in 0.001% (1/69160) of African/African American chromosomes by the Genome Aggregation Database (gnomAD; dbSNP rs1171005948). Although this variant has been seen in the general population in a heterozygous state, its frequency is low enough to be consistent with a recessive carrier frequency. This variant is located in the 3' splice region. Computational tools predict a splicing impact, though this information is not predictive enough to determine pathogenicity. This variant is adjacent to an in-frame exon and is more likely to escape nonsense mediated decay (NMD) and result in a truncated protein. Loss of function of the ABCB11 gene is an established disease mechanism in autosomal recessive BSEP deficiency. In summary, the clinical significance of the c.1197+1G>A variant is uncertain. ACMG/AMP Criteria applied: PVS1_moderate, PM2_supporting (Richards 2015).